The following is an entry in ClinVar:

ClinVar aggregate classification (germline): Likely benign (1 of 4 stars; one submission).

Conditions:
MIR17HG-related disorder. Also called: MIR17HG-related condition.

gnomAD v4.1: 4 of 152,192 alleles (0.0026%); highest among the groups gnomAD compares: Admixed American, 0.026%; no homozygotes.

Submission:

PreventionGenetics, part of Exact Sciences
Classification: Likely benign for MIR17HG-related condition. Last evaluated: 2026-01-16. Review status: criteria provided, single submitter. Criteria: ACMG Guidelines, 2015. Collection method: clinical testing. Allele origin: germline.
Comment: This variant is classified as likely benign based on ACMG/AMP sequence variant interpretation guidelines (Richards et al. 2015 PMID: 25741868, with internal and published modifications).

NR_197388.1(MIR17HG):n.4533A>G

Gene: MIR17HG (miR-17-92a-1 cluster host gene; plus strand). Cytogenetic location: 13q31.3.
Variant type: single nucleotide variant.
Molecular consequence: non-coding transcript variant (on NR_197388.1).
Genome position: GRCh38 VCF-style: chr13-91354342-A-G. GRCh37 (hg19) VCF-style: chr13-92006596-A-G.
Identifiers: ClinVar variation 4988172 (VCV004988172.1).